The following is an entry in ClinVar:

ClinVar aggregate classification (germline): Uncertain significance. Review status: criteria provided, multiple submitters, no conflicts (2 of 4 stars). 3 submissions from 3 submitters: Uncertain significance (3). Last evaluated 2025-04-25.

Allele frequency attached by ClinVar (database versions not stated): ExAC 0.00009; gnomAD exomes 0.00011.

Submissions (3):

Ambry Genetics
Classification: Uncertain significance. Last evaluated: 2025-04-25. Review status: criteria provided, single submitter. Criteria: Ambry Variant Classification Scheme 2023. Collection method: clinical testing. Allele origin: germline.

Blueprint Genetics
Classification: Uncertain significance. Last evaluated: 2022-09-15. Review status: criteria provided, single submitter. Criteria: ACMG Guidelines, 2015. Collection method: clinical testing. Allele origin: germline.

Labcorp Genetics (formerly Invitae), Labcorp
Classification: Uncertain significance. Last evaluated: 2022-07-29. Review status: criteria provided, single submitter. Criteria: Invitae Variant Classification Sherloc (09022015). Collection method: clinical testing. Allele origin: germline.
Comment: This sequence change replaces glycine, which is neutral and non-polar, with serine, which is neutral and polar, at codon 220 of the SAMD11 protein (p.Gly220Ser). This variant is present in population databases (rs767846263, gnomAD 0.06%). This variant has not been reported in the literature in individuals affected with SAMD11-related conditions. ClinVar contains an entry for this variant (Variation ID: 1514394). Algorithms developed to predict the effect of missense changes on protein structure and function (SIFT, PolyPhen-2, Align-GVGD) all suggest that this variant is likely to be tolerated. Algorithms developed to predict the effect of sequence changes on RNA splicing suggest that this variant may disrupt the consensus splice site. In summary, the available evidence is currently insufficient to determine the role of this variant in disease. Therefore, it has been classified as a Variant of Uncertain Significance.

NM_001385641.1(SAMD11):c.1195G>A (p.Asp399Asn)

Gene: SAMD11 (sterile alpha motif domain containing 11; plus strand). Cytogenetic location: 1p36.33.
Variant type: single nucleotide variant.
Coding change: c.1195G>A on transcript NM_001385641.1 (MANE Select); coding-DNA position 1195, G replaced by A.
Protein change: p.Asp399Asn; replaces aspartic acid 399 with asparagine.
Molecular consequence: missense variant.
Genome position (GRCh38, 1-based): chr1:939,412, G>A. VCF-style: chr1-939412-G-A. GRCh37 (hg19) VCF-style: chr1-874792-G-A.
Other names: c.1198G>A, p.Asp400Asn (NM_001385640.1); c.658G>A, p.Gly220Ser (NM_152486.4); c.658G>A (NM_152486.2); short protein forms D400N, G220S, D399N.
Identifiers: ClinVar variation 1514394 (VCV001514394.5), dbSNP rs767846263, ClinGen allele CA502737.